The following is an entry in ClinVar:

ClinVar aggregate classification (germline): Uncertain significance (1 of 4 stars; one submission).

gnomAD v4.1: 12 of 1,608,224 alleles (0.00075%); highest among the groups gnomAD compares: East Asian, 0.0045%; 1 homozygote.

Submission:

Labcorp Genetics (formerly Invitae), Labcorp
Classification: Uncertain significance. Last evaluated: 2024-07-12. Review status: criteria provided, single submitter. Criteria: Invitae Variant Classification Sherloc (09022015). Collection method: clinical testing. Allele origin: germline.
Comment: This sequence change replaces aspartic acid, which is acidic and polar, with asparagine, which is neutral and polar, at codon 116 of the WFS1 protein (p.Asp116Asn). This variant is not present in population databases (gnomAD no frequency). This variant has not been reported in the literature in individuals affected with WFS1-related conditions. Advanced modeling of protein sequence and biophysical properties (such as structural, functional, and spatial information, amino acid conservation, physicochemical variation, residue mobility, and thermodynamic stability) performed at Invitae indicates that this missense variant is not expected to disrupt WFS1 protein function with a negative predictive value of 95%. In summary, the available evidence is currently insufficient to determine the role of this variant in disease. Therefore, it has been classified as a Variant of Uncertain Significance.

NM_006005.3(WFS1):c.346G>A (p.Asp116Asn)

Gene: WFS1 (wolframin ER transmembrane glycoprotein; plus strand). Cytogenetic location: 4p16.1.
Variant type: single nucleotide variant.
Coding change: c.346G>A on transcript NM_006005.3 (MANE Select); coding-DNA position 346, G replaced by A.
Protein change: p.Asp116Asn; replaces aspartic acid 116 with asparagine.
Molecular consequence: missense variant.
Genome position (GRCh38, 1-based): chr4:6,289,017, G>A. VCF-style: chr4-6289017-G-A. GRCh37 (hg19) VCF-style: chr4-6290744-G-A.
Other names: c.346G>A, p.Asp116Asn (NM_001145853.1); short protein forms D116N.
Identifiers: ClinVar variation 3675799 (VCV003675799.2).